The following is an entry in ClinVar:

NM_032634.4(PIGO):c.1152T>C (p.Ala384=)

Gene: PIGO (phosphatidylinositol glycan anchor biosynthesis class O; minus strand). Cytogenetic location: 9p13.3.
Variant type: single nucleotide variant.
Coding change: c.1152T>C on transcript NM_032634.4 (MANE Select); coding-DNA position 1152, T replaced by C.
Protein change: p.Ala384=; no amino-acid change (alanine 384 retained).
Molecular consequence: synonymous variant.
Genome position (GRCh38, 1-based): chr9:35,092,735, A>G on the plus strand (T>C on the coding strand, the complement: PIGO is on the minus strand). VCF-style: chr9-35092735-A-G. GRCh37 (hg19) VCF-style: chr9-35092732-A-G.
Other names: c.1152T>C, p.Ala384= (NM_001201484.2, NM_152850.4).
Identifiers: ClinVar variation 3710420 (VCV003710420.15).
Genomic context (GRCh38, chr9:35,092,735, plus strand): 5'-AGAGGCCTTGGAGAAGAGGTTCTGCAGCTGATGAAGCTCCTTAGCTTGAAGGTCCTGAGT[A>G]GCAGCTGAGTAGGTATGAAGAAATCGGGACACCTGGCAGAGAAAAGGTCAGAGGCCAAGG-3'
Protein context (NP_116023.2, residues 374-394): VSRFLHTYSA[Ala384=]TQDLQAKELH

ClinVar aggregate classification (germline): Likely benign. Review status: criteria provided, multiple submitters, no conflicts (2 of 4 stars). 2 submissions from 2 submitters: Likely benign (2). Last evaluated 2025-02-01.

Conditions:
Hyperphosphatasia with impaired intellectual development syndrome 2. Also called: GLYCOSYLPHOSPHATIDYLINOSITOL BIOSYNTHESIS DEFECT 6; Hyperphosphatasia with intellectual disability syndrome 2. Identifiers: Orphanet 247262, MedGen C3553637, MONDO:0013882, OMIM 614749.

Submissions (2):

CeGaT Center for Human Genetics Tuebingen
Classification: Likely benign. Last evaluated: 2025-02-01. Review status: criteria provided, single submitter. Criteria: CeGaT Center For Human Genetics Tuebingen Variant Classification Criteria Version 2. Collection method: clinical testing. Allele origin: germline. Affected: yes. Observed: 1 variant allele.
Comment: PIGO: PM2:Supporting, BP4, BP7

Labcorp Genetics (formerly Invitae), Labcorp
Classification: Likely benign for Hyperphosphatasia with impaired intellectual development syndrome 2. Last evaluated: 2024-07-30. Review status: criteria provided, single submitter. Criteria: Invitae Variant Classification Sherloc (09022015). Collection method: clinical testing. Allele origin: germline.